The following is an entry in ClinVar:

NM_000548.5(TSC2):c.2105_2108del (p.Asp702fs)

Gene: TSC2 (TSC complex subunit 2; plus strand). Cytogenetic location: 16p13.3.
Variant type: Deletion.
Coding change: c.2105_2108del on transcript NM_000548.5 (MANE Select); coding-DNA positions 2105 to 2108, 4 bases deleted (ACTG; older notation c.2105_2108delACTG).
Protein change: p.Asp702fs; shifts the reading frame from aspartic acid 702.
Molecular consequence: frameshift variant.
Genome position (GRCh38, 1-based): chr16:2,072,248-2,072,251, ACTG deleted; deleting any 4 consecutive bases within chr16:2,072,245-2,072,251 gives the same sequence; the c. name uses the placement nearest the transcript's 3' end. VCF-style (leftmost placement, unchanged base first): chr16-2072244-TCTGA-T. GRCh37 (hg19) VCF-style: chr16-2122245-TCTGA-T.
Other names: c.2105_2108del, p.Asp702fs (NM_001077183.3, NM_001114382.3, NM_001363528.2 and 3 more transcripts); c.1994_1997del, p.Asp665fs (NM_001318827.2); c.1958_1961del, p.Asp653fs (NM_001318829.2); c.1505_1508del, p.Asp502fs (NM_001318831.2); c.2138_2141del, p.Asp713fs (NM_001318832.2); short protein forms D702fs, D502fs, D653fs, D665fs, D713fs.
Identifiers: ClinVar variation 280337 (VCV000280337.6), dbSNP rs886041563, ClinGen allele CA10603516.

ClinVar aggregate classification (germline): Pathogenic. Review status: criteria provided, multiple submitters, no conflicts (2 of 4 stars). 4 submissions from 4 submitters: Pathogenic (4). Last evaluated 2025-10-21.

Conditions:
Lymphangiomyomatosis (LAM). Also called: Lymphangioleiomyomatosis; Lymphangioleiomyomatosis, somatic. Identifiers: Orphanet 538, MedGen C0751674, MONDO:0011705, OMIM 606690.
Tuberous sclerosis 2 (TSC2). Identifiers: Orphanet 805, MedGen C1860707, MONDO:0013199, OMIM 613254.
Isolated focal cortical dysplasia type II (FCORD2). Also called: Focal cortical dysplasia type II; CORTICAL DYSPLASIA OF TAYLOR. Identifiers: Orphanet 268994, MedGen C1846385, MONDO:0011818, OMIM 607341, HP:0032051.
Tuberous sclerosis syndrome (TSC). Also called: Tuberous sclerosis; Tuberous Sclerosis Complex. Identifiers: Orphanet 805, MedGen C0041341, MONDO:0001734.

Submissions (4):

NHS Central & South Genomic Laboratory Hub
Classification: Pathogenic for Tuberous sclerosis. Last evaluated: 2025-10-21. Review status: criteria provided, single submitter. Criteria: ACMG Guidelines, 2015. Collection method: clinical testing. Allele origin: germline. Affected: yes.

Labcorp Genetics (formerly Invitae), Labcorp
Classification: Pathogenic for Tuberous sclerosis 2. Last evaluated: 2025-09-10. Review status: criteria provided, single submitter. Criteria: Invitae Variant Classification Sherloc (09022015). Collection method: clinical testing. Allele origin: germline.
Comment: This sequence change creates a premature translational stop signal (p.Asp702Glyfs*4) in the TSC2 gene. It is expected to result in an absent or disrupted protein product. Loss-of-function variants in TSC2 are known to be pathogenic (PMID: 10205261, 17304050). This variant is not present in population databases (gnomAD no frequency). This premature translational stop signal has been observed in individual(s) with tuberous sclerosis complex (PMID: 27859028). ClinVar contains an entry for this variant (Variation ID: 280337). For these reasons, this variant has been classified as Pathogenic.

GeneDx
Classification: Pathogenic. Last evaluated: 2016-02-22. Review status: criteria provided, single submitter. Criteria: GeneDx Variant Classification (06012015). Collection method: clinical testing. Allele origin: germline. Affected: yes.
Comment: The c.2105_2108delACTG pathogenic variant in the TSC2 gene causes a frameshift starting with codon Aspartic acid 702, changes this amino acid to a Glycine residue and creates a premature Stop codon at position 4 of the new reading frame, denoted p.Asp702GlyfsX4. This pathogenic variant is predicted to cause loss of normal protein function either through protein truncation or nonsense-mediated mRNA decay. Although this pathogenic variant has not been previously reported to our knowledge, other frameshift variants have been reported in the TSC2 gene in association with tuberous sclerosis (TSC2 LOVD; Stenson et al., 2014).

Juno Genomics, Hangzhou Juno Genomics, Inc
Classification: Pathogenic for Isolated focal cortical dysplasia type II; Lymphangiomyomatosis; Tuberous sclerosis 2. Review status: criteria provided, single submitter. Criteria: ACMG Guidelines, 2015. Collection method: clinical testing. Allele origin: germline. Affected: yes.
Comment: Null variant in a gene where loss of function (LOF) is a known mechanism of disease.;Absent from controls (or at extremely low frequency if recessive) in Genome Aggregation Database, Exome Sequencing Project, 1000 Genomes Project, or Exome Aggregation Consortium.;The prevalence of the variant in affected individuals is significantly increased compared to the prevalence in controls.

Literature cited by the submitters: PubMed 10205261 (cited by Labcorp Genetics (formerly Invitae), Labcorp); PubMed 17304050 (cited by Labcorp Genetics (formerly Invitae), Labcorp); PubMed 27859028 (cited by Labcorp Genetics (formerly Invitae), Labcorp).